The following is an entry in ClinVar:

ClinVar aggregate classification (germline): Uncertain significance (1 of 4 stars; one submission).

Conditions:
Early-infantile DEE. Also called: Early infantile epileptic encephalopathy; Early infantile epileptic encephalopathy with suppression bursts; Ohtahara syndrome. Identifiers: Orphanet 1934, MedGen C0393706, MONDO:0800491.

Submission:

Labcorp Genetics (formerly Invitae), Labcorp
Classification: Uncertain significance for Early-infantile DEE. Last evaluated: 2022-07-06. Review status: criteria provided, single submitter. Criteria: Invitae Variant Classification Sherloc (09022015). Collection method: clinical testing. Allele origin: germline.
Comment: This sequence change replaces glycine, which is neutral and non-polar, with aspartic acid, which is acidic and polar, at codon 1476 of the SCN8A protein (p.Gly1476Asp). This variant is not present in population databases (gnomAD no frequency). This missense change has been observed in individual(s) with benign familial neonatal-infantile seizures (PMID: 29263050). Algorithms developed to predict the effect of missense changes on protein structure and function are either unavailable or do not agree on the potential impact of this missense change (SIFT: "Deleterious"; PolyPhen-2: "Benign"; Align-GVGD: "Class C0"). Algorithms developed to predict the effect of sequence changes on RNA splicing suggest that this variant may create or strengthen a splice site. In summary, the available evidence is currently insufficient to determine the role of this variant in disease. Therefore, it has been classified as a Variant of Uncertain Significance.

Literature cited by the submitters: PubMed 29263050.

NM_001330260.2(SCN8A):c.4427G>A (p.Gly1476Asp)

Gene: SCN8A (sodium voltage-gated channel alpha subunit 8; plus strand). Cytogenetic location: 12q13.13.
Variant type: single nucleotide variant.
Coding change: c.4427G>A on transcript NM_001330260.2 (MANE Select); coding-DNA position 4427, G replaced by A.
Protein change: p.Gly1476Asp; replaces glycine 1476 with aspartic acid.
Molecular consequence: missense variant.
Genome position (GRCh38, 1-based): chr12:51,790,405, G>A. VCF-style: chr12-51790405-G-A. GRCh37 (hg19) VCF-style: chr12-52184189-G-A.
Other names: c.4304G>A, p.Gly1435Asp (NM_001177984.3, NM_001369788.1); c.4427G>A, p.Gly1476Asp (NM_014191.4); short protein forms G1435D, G1476D.
Identifiers: ClinVar variation 2137367 (VCV002137367.4), dbSNP rs2540308901, ClinGen allele CA384909014.